The following is an entry in ClinVar:

ClinVar aggregate classification (germline): Uncertain significance (1 of 4 stars; one submission).

Conditions:
Autosomal dominant limb-girdle muscular dystrophy type 1F (LGMDD2). Also called: Limb-girdle muscular dystrophy, type 1F; MUSCULAR DYSTROPHY, LIMB-GIRDLE, AUTOSOMAL DOMINANT 2. Identifiers: Orphanet 55595, MedGen C1842062, MONDO:0012034, OMIM 608423.

Submission:

Labcorp Genetics (formerly Invitae), Labcorp
Classification: Uncertain significance for Autosomal dominant limb-girdle muscular dystrophy type 1F. Last evaluated: 2025-07-27. Review status: criteria provided, single submitter. Criteria: Invitae Variant Classification Sherloc (09022015). Collection method: clinical testing. Allele origin: germline.
Comment: This sequence change creates a premature translational stop signal (p.Ser25Glnfs*53) in the TNPO3 gene. It is expected to result in an absent or disrupted protein product. However, the current clinical and genetic evidence is not sufficient to establish whether loss-of-function variants in TNPO3 cause disease. This variant is not present in population databases (gnomAD no frequency). This variant has not been reported in the literature in individuals affected with TNPO3-related conditions. In summary, the available evidence is currently insufficient to determine the role of this variant in disease. Therefore, it has been classified as a Variant of Uncertain Significance.

NM_012470.4(TNPO3):c.72dup (p.Ser25fs)

Genes: TNPO3 (transportin 3; minus strand), LOC129999289 (ATAC-STARR-seq lymphoblastoid active region 26616; plus strand). Cytogenetic location: 7q32.1.
Variant type: Duplication.
Coding change: c.72dup on transcript NM_012470.4 (MANE Select); coding-DNA position 72, one base duplicated (C; older notation c.72dupC).
Protein change: p.Ser25fs; shifts the reading frame from serine 25.
Molecular consequence: frameshift variant. On other transcripts: non-coding transcript variant (18).
Genome position (GRCh38, 1-based): chr7:129,054,699, G duplicated on the plus strand (C on the coding strand, the reverse complement: TNPO3 is on the minus strand); the first of 3 consecutive G bases (chr7:129,054,699-129,054,701); duplicating any one gives the same sequence. VCF-style (leftmost placement, unchanged base first): chr7-129054698-T-TG. GRCh37 (hg19) VCF-style: chr7-128694752-T-TG.
Other names: c.72dup, p.Ser25fs (NM_001191028.3, NM_001382216.1, NM_001382217.1 and 6 more transcripts); short protein forms S25fs.
Identifiers: ClinVar variation 4766949 (VCV004766949.1).